The following is an entry in ClinVar:

NM_021871.4(FGA):c.1037del (p.Asn346fs)

Gene: FGA (fibrinogen alpha chain; minus strand). Cytogenetic location: 4q31.3.
Variant type: Deletion.
Coding change: c.1037del on transcript NM_021871.4 (MANE Select); coding-DNA position 1037, one base deleted (A; older notation c.1037delA).
Protein change: p.Asn346fs; shifts the reading frame from asparagine 346.
Molecular consequence: frameshift variant.
Genome position (GRCh38, 1-based): chr4:154,586,392, T deleted on the plus strand (A on the coding strand, the reverse complement: FGA is on the minus strand); the first of 3 consecutive T bases (chr4:154,586,392-154,586,394); deleting any one gives the same sequence. VCF-style (leftmost placement, unchanged base first): chr4-154586391-GT-G. GRCh37 (hg19) VCF-style: chr4-155507543-GT-G.
Other names: p.Asn346Thrfs*75; c.1037del, p.Asn346fs (NM_000508.5); c.1037del (NM_021871.2); short protein forms N346fs.
Identifiers: ClinVar variation 3380988 (VCV003380988.3).

ClinVar aggregate classification (germline): Pathogenic/Likely pathogenic. Review status: criteria provided, multiple submitters, no conflicts (2 of 4 stars). 3 submissions from 3 submitters: Pathogenic (1); Likely pathogenic (2). Last evaluated 2026-03-27.

Conditions:
FGA-related disorder. Also called: FGA-related condition; FGA-related disorders.

Submissions (3):

GeneDx
Classification: Likely pathogenic. Last evaluated: 2026-03-27. Review status: criteria provided, single submitter. Criteria: GeneDx Variant Classification Process June 2021. Collection method: clinical testing. Allele origin: germline.
Comment: Frameshift variant predicted to result in abnormal protein length as the last 299 amino acid(s) are replaced with 74 different amino acid(s), and other similar variants have been reported in HGMD; Not observed at significant frequency in large population cohorts (gnomAD); This variant is associated with the following publications: (PMID: 17295221, 36950719)

Mayo Clinic Laboratories, Mayo Clinic
Classification: Pathogenic. Last evaluated: 2023-10-23. Review status: criteria provided, single submitter. Criteria: ACMG Guidelines, 2015. Collection method: clinical testing. Allele origin: germline. Observed: 1 variant allele.
Comment: PM2_moderate, PS4_moderate, PVS1

Blueprint Genetics
Classification: Likely pathogenic for FGA-related disorders. Last evaluated: 2019-12-19. Review status: criteria provided, single submitter. Criteria: ACMG Guidelines, 2015. Collection method: clinical testing. Allele origin: germline. Affected: yes. Observed: 2 variant alleles.

Literature cited by the submitters: PubMed 17295221 (cited by Mayo Clinic Laboratories, Mayo Clinic); PubMed 36950719 (cited by Mayo Clinic Laboratories, Mayo Clinic).